The following is an entry in ClinVar:

NM_207361.6(FREM2):c.8882A>G (p.Gln2961Arg)

Gene: FREM2 (FRAS1 related extracellular matrix 2; plus strand). Cytogenetic location: 13q13.3.
Variant type: single nucleotide variant.
Coding change: c.8882A>G on transcript NM_207361.6 (MANE Select); coding-DNA position 8882, A replaced by G.
Protein change: p.Gln2961Arg; replaces glutamine 2961 with arginine.
Molecular consequence: missense variant.
Genome position (GRCh38, 1-based): chr13:38,878,853, A>G. VCF-style: chr13-38878853-A-G. GRCh37 (hg19) VCF-style: chr13-39452990-A-G.
Other names: c.8882A>G (NM_207361.4); short protein forms Q2961R.
Identifiers: ClinVar variation 1986383 (VCV001986383.2), dbSNP rs201083591, ClinGen allele CA6956257.

ClinVar aggregate classification (germline): Uncertain significance. Review status: criteria provided, multiple submitters, no conflicts (2 of 4 stars). 2 submissions from 2 submitters: Uncertain significance (2). Last evaluated 2025-08-05.

Conditions:
Inborn genetic diseases. Identifiers: MedGen C0950123, MeSH D030342.

Allele frequency attached by ClinVar (database versions not stated): TOPMed 0.00003; gnomAD 0.00006; ExAC 0.00007; gnomAD exomes 0.00007; ESP Exome Variant Server 0.00008.
gnomAD v4.1: 107 of 1,614,084 alleles (0.0066%); highest among the groups gnomAD compares: Non-Finnish European, 0.0085%; no homozygotes.

Submissions (2):

Ambry Genetics
Classification: Uncertain significance for Inborn genetic diseases. Last evaluated: 2025-08-05. Review status: criteria provided, single submitter. Criteria: Ambry Variant Classification Scheme 2023. Collection method: clinical testing. Allele origin: germline.

Labcorp Genetics (formerly Invitae), Labcorp
Classification: Uncertain significance. Last evaluated: 2022-08-09. Review status: criteria provided, single submitter. Criteria: Invitae Variant Classification Sherloc (09022015). Collection method: clinical testing. Allele origin: germline.
Comment: This sequence change replaces glutamine, which is neutral and polar, with arginine, which is basic and polar, at codon 2961 of the FREM2 protein (p.Gln2961Arg). This variant is present in population databases (rs201083591, gnomAD 0.01%). This variant has not been reported in the literature in individuals affected with FREM2-related conditions. Algorithms developed to predict the effect of missense changes on protein structure and function are either unavailable or do not agree on the potential impact of this missense change (SIFT: "Deleterious"; PolyPhen-2: "Benign"; Align-GVGD: "Class C0"). In summary, the available evidence is currently insufficient to determine the role of this variant in disease. Therefore, it has been classified as a Variant of Uncertain Significance.